The following is an entry in ClinVar:

ClinVar aggregate classification (germline): Uncertain significance. Review status: criteria provided, multiple submitters, no conflicts (2 of 4 stars). 2 submissions from 2 submitters: Uncertain significance (2). Last evaluated 2025-10-01.

Conditions:
Inborn genetic diseases. Identifiers: MedGen C0950123, MeSH D030342.

Allele frequency attached by ClinVar (database versions not stated): ESP Exome Variant Server 0.00016; gnomAD 0.00018; gnomAD exomes 0.00025; ExAC 0.00027; TOPMed 0.00028.
gnomAD v4.1: 403 of 1,613,142 alleles (0.025%); highest among the groups gnomAD compares: Middle Eastern, 0.15%; no homozygotes.

Submissions (2):

CeGaT Center for Human Genetics Tuebingen
Classification: Uncertain significance. Last evaluated: 2025-10-01. Review status: criteria provided, single submitter. Criteria: CeGaT Center For Human Genetics Tuebingen Variant Classification Criteria Version 2. Collection method: clinical testing. Allele origin: germline. Affected: yes. Observed: 1 variant allele.
Comment: DNAH17: PM2

Ambry Genetics
Classification: Uncertain significance for Inborn genetic diseases. Last evaluated: 2025-08-12. Review status: criteria provided, single submitter. Criteria: Ambry Variant Classification Scheme 2023. Collection method: clinical testing. Allele origin: germline.

NM_173628.4(DNAH17):c.6026A>G (p.Glu2009Gly)

Genes: DNAH17 (dynein axonemal heavy chain 17; minus strand), DNAH17-AS1 (DNAH17 antisense RNA 1; plus strand). Cytogenetic location: 17q25.3.
Variant type: single nucleotide variant.
Coding change: c.6026A>G on transcript NM_173628.4 (MANE Select); coding-DNA position 6026, A replaced by G.
Protein change: p.Glu2009Gly; replaces glutamic acid 2009 with glycine.
Molecular consequence: missense variant.
Genome position (GRCh38, 1-based): chr17:78,494,975, T>C on the plus strand (A>G on the coding strand, the complement: DNAH17 is on the minus strand). VCF-style: chr17-78494975-T-C. GRCh37 (hg19) VCF-style: chr17-76491057-T-C.
Other names: short protein forms E2009G.
Identifiers: ClinVar variation 2508479 (VCV002508479.9), dbSNP rs199886712, ClinGen allele CA8802961.